The following is an entry in ClinVar:

NM_002335.4(LRP5):c.2234C>T (p.Ala745Val)

Gene: LRP5 (LDL receptor related protein 5; plus strand). Cytogenetic location: 11q13.2.
Variant type: single nucleotide variant.
Coding change: c.2234C>T on transcript NM_002335.4 (MANE Select); coding-DNA position 2234, C replaced by T.
Protein change: p.Ala745Val; replaces alanine 745 with valine.
Molecular consequence: missense variant.
Genome position (GRCh38, 1-based): chr11:68,410,056, C>T. VCF-style: chr11-68410056-C-T. GRCh37 (hg19) VCF-style: chr11-68177524-C-T.
Other names: c.491C>T, p.Ala164Val (NM_001291902.2); short protein forms A745V, A164V.
Identifiers: ClinVar variation 279844 (VCV000279844.46), dbSNP rs148550774, ClinGen allele CA6149565.

ClinVar aggregate classification (germline): Conflicting classifications of pathogenicity. Review status: criteria provided, conflicting classifications (1 of 4 stars). 7 submissions from 7 submitters: Uncertain significance (2); Benign (1); Likely benign (4). Last evaluated 2026-01-27.

Conditions:
LRP5-related disorder. Also called: LRP5-related condition.

Allele frequency attached by ClinVar (database versions not stated): gnomAD 0.00079 and 0.00083; TOPMed 0.00083; gnomAD exomes 0.00086 and 0.00095; ExAC 0.00088; ESP Exome Variant Server 0.00108.
gnomAD v4.1: 1,441 of 1,613,852 alleles (0.089%); highest among the groups gnomAD compares: Non-Finnish European, 0.073%; 2 homozygotes.

Submissions (11):

Labcorp Genetics (formerly Invitae), Labcorp
Classification: Benign. Last evaluated: 2026-01-27. Review status: criteria provided, single submitter. Criteria: Invitae Variant Classification Sherloc (09022015). Collection method: clinical testing. Allele origin: germline.

Center for Genomic Medicine, Rigshospitalet, Copenhagen University Hospital
Classification: Uncertain significance. Last evaluated: 2025-12-29. Review status: criteria provided, single submitter. Criteria: ACMG Guidelines, 2015. Collection method: clinical testing. Allele origin: germline.

PreventionGenetics, part of Exact Sciences
Classification: Likely benign for LRP5-related condition. Last evaluated: 2025-10-07. Review status: criteria provided, single submitter. Criteria: ACMG Guidelines, 2015. Collection method: clinical testing. Allele origin: germline.
Comment: This variant is classified as likely benign based on ACMG/AMP sequence variant interpretation guidelines (Richards et al. 2015 PMID: 25741868, with internal and published modifications).

CeGaT Center for Human Genetics Tuebingen
Classification: Likely benign. Last evaluated: 2025-03-01. Review status: criteria provided, single submitter. Criteria: CeGaT Center For Human Genetics Tuebingen Variant Classification Criteria Version 2. Collection method: clinical testing. Allele origin: germline. Affected: yes. Observed: 2 variant alleles.
Comment: LRP5: BS1

Blueprint Genetics
Classification: Likely benign. Last evaluated: 2024-11-21. Review status: criteria provided, single submitter. Criteria: ACMG Guidelines, 2015. Collection method: clinical testing. Allele origin: germline.

Women's Health and Genetics/Laboratory Corporation of America, LabCorp
Classification: Likely benign. Last evaluated: 2024-07-23. Review status: criteria provided, single submitter. Criteria: LabCorp Variant Classification Summary - May 2015. Collection method: clinical testing. Allele origin: germline.
Comment: Variant summary: LRP5 c.2234C>T (p.Ala745Val) results in a non-conservative amino acid change in the encoded protein sequence. Four of five in-silico tools predict a damaging effect of the variant on protein function. The variant allele was found at a frequency of 0.00095 in 251128 control chromosomes. The observed variant frequency is approximately 15.23 fold of the estimated maximal expected allele frequency for a pathogenic variant in LRP5 causing Familial Exudative Vitreoretinopathy phenotype (6.3e-05). c.2234C>T has been reported in the literature in heterozygous individuals affected with Familial Exudative Vitreoretinopathy or Early-Onset Osteoporosis (Pefkianaki_2016, Norwitz_2019, Sturznickel_2021). These report(s) do not provide unequivocal conclusions about association of the variant with LRP5-related conditions. To our knowledge, no experimental evidence demonstrating an impact on protein function has been reported. The following publications have been ascertained in the context of this evaluation (PMID: 30972028, 27486893, 33716164, 33118644). ClinVar contains an entry for this variant (Variation ID: 279844). Based on the evidence outlined above, the variant was classified as likely benign.

GeneDx
Classification: Uncertain significance. Last evaluated: 2023-08-28. Review status: criteria provided, single submitter. Criteria: GeneDx Variant Classification Process June 2021. Collection method: clinical testing. Allele origin: germline. Affected: yes.
Comment: Reported previously in an individual with familial exudative vitreoretinopathy and was inherited from a parent with mild signs of FEVR (Pefkianaki et al., 2016); In silico analysis, which includes protein predictors and evolutionary conservation, supports that this variant does not alter protein structure/function; This variant is associated with the following publications: (PMID: 33716164, 27486893, 30972028, 33118644, 34426522)

Dr. Peter K. Rogan Lab, Western University
No classification provided (evidence only). Condition: Clear cell carcinoma of kidney. Review status: no classification provided. Collection method: in vitro. Allele origin: not applicable. Functional consequence: retained intron. Not counted in ClinVar's aggregate classification.

Dr. Peter K. Rogan Lab, Western University
No classification provided (evidence only). Condition: Clear cell carcinoma of kidney. Review status: no classification provided. Collection method: in vitro. Allele origin: not applicable. Functional consequence: retained intron. Not counted in ClinVar's aggregate classification.

Dr. Peter K. Rogan Lab, Western University
No classification provided (evidence only). Condition: Cervical cancer. Review status: no classification provided. Collection method: in vitro. Allele origin: not applicable. Functional consequence: retained intron. Not counted in ClinVar's aggregate classification.

Dr. Peter K. Rogan Lab, Western University
No classification provided (evidence only). Condition: Ovarian serous cystadenocarcinoma. Review status: no classification provided. Collection method: in vitro. Allele origin: not applicable. Functional consequence: retained intron. Not counted in ClinVar's aggregate classification.

Literature cited by the submitters: PubMed 30972028 (cited by Center for Genomic Medicine, Rigshospitalet, Copenhagen University Hospital and Women's Health and Genetics/Laboratory Corporation of America, LabCorp); PubMed 33118644 (cited by Center for Genomic Medicine, Rigshospitalet, Copenhagen University Hospital and Women's Health and Genetics/Laboratory Corporation of America, LabCorp); PubMed 33716164 (cited by Women's Health and Genetics/Laboratory Corporation of America, LabCorp); PubMed 27486893 (cited by Women's Health and Genetics/Laboratory Corporation of America, LabCorp).